The following is an entry in ClinVar:

NM_000051.4(ATM):c.6368G>C (p.Ser2123Thr)

Genes: ATM (ATM serine/threonine kinase; plus strand), C11orf65 (chromosome 11 open reading frame 65; minus strand). Cytogenetic location: 11q22.3.
Variant type: single nucleotide variant.
Coding change: c.6368G>C on transcript NM_000051.4 (MANE Select); coding-DNA position 6368, G replaced by C.
Protein change: p.Ser2123Thr; replaces serine 2123 with threonine.
Molecular consequence: missense variant. On other transcripts: intron variant (2).
Genome position (GRCh38, 1-based): chr11:108,319,974, G>C. VCF-style: chr11-108319974-G-C. GRCh37 (hg19) VCF-style: chr11-108190701-G-C.
Other names: c.6368G>C, p.Ser2123Thr (NM_001351834.2); c.641-10903C>G (NM_001330368.2); c.*39-10903C>G (NM_001351110.2); short protein forms S2123T.
Identifiers: ClinVar variation 661622 (VCV000661622.7), dbSNP rs1064794104, ClinGen allele CA382553227.

ClinVar aggregate classification (germline): Uncertain significance (1 of 4 stars; one submission).

Conditions:
Ataxia-telangiectasia syndrome (AT). Also called: Ataxia-telangiectasia, complementation group D; AT, COMPLEMENTATION GROUP C; ATAXIA-TELANGIECTASIA, COMPLEMENTATION GROUP A; ATAXIA-TELANGIECTASIA, FRESNO VARIANT; Ataxia-telangiectasia; LOUIS-BAR SYNDROME. Identifiers: Orphanet 100, MedGen C0004135, MONDO:0008840, OMIM 208900.

Submission:

Labcorp Genetics (formerly Invitae), Labcorp
Classification: Uncertain significance for Ataxia-telangiectasia syndrome. Last evaluated: 2021-08-28. Review status: criteria provided, single submitter. Criteria: Invitae Variant Classification Sherloc (09022015). Collection method: clinical testing. Allele origin: germline.
Comment: This sequence change replaces serine with threonine at codon 2123 of the ATM protein (p.Ser2123Thr). The serine residue is weakly conserved and there is a small physicochemical difference between serine and threonine. This variant is not present in population databases (ExAC no frequency). This variant has not been reported in the literature in individuals affected with ATM-related conditions. Algorithms developed to predict the effect of missense changes on protein structure and function are either unavailable or do not agree on the potential impact of this missense change (SIFT: "Deleterious"; PolyPhen-2: "Benign"; Align-GVGD: "Class C0"). In summary, the available evidence is currently insufficient to determine the role of this variant in disease. Therefore, it has been classified as a Variant of Uncertain Significance.